The following is an entry in ClinVar:

NM_000062.3(SERPING1):c.997G>T (p.Ala333Ser)

Gene: SERPING1 (serpin family G member 1; plus strand). Cytogenetic location: 11q12.1.
Variant type: single nucleotide variant.
Coding change: c.997G>T on transcript NM_000062.3 (MANE Select); coding-DNA position 997, G replaced by T.
Protein change: p.Ala333Ser; replaces alanine 333 with serine.
Molecular consequence: missense variant.
Genome position (GRCh38, 1-based): chr11:57,606,515, G>T. VCF-style: chr11-57606515-G-T. GRCh37 (hg19) VCF-style: chr11-57373988-G-T.
Other names: c.997G>T, p.Ala333Ser (NM_001032295.2); short protein forms A333S.
Identifiers: ClinVar variation 3678585 (VCV003678585.2).
Genomic context (GRCh38, chr11:57,606,515, plus strand): 5'-TTTCACTTCAAAAACTCAGTTATAAAAGTGCCCATGATGAATAGCAAGAAGTACCCTGTG[G>T]CCCATTTCATTGACCAAACTTTGAAAGCCAAGGTAAGTTCTTAACCTTTCCTTCTCCTGT-3'
Protein context (NP_000053.2, residues 323-343): PMMNSKKYPV[Ala333Ser]HFIDQTLKAK

ClinVar aggregate classification (germline): Uncertain significance (1 of 4 stars; one submission).

gnomAD v4.1: 7 of 1,614,164 alleles (0.00043%); highest among the groups gnomAD compares: Non-Finnish European, 0.00059%; no homozygotes.

Submission:

Labcorp Genetics (formerly Invitae), Labcorp
Classification: Uncertain significance. Last evaluated: 2024-07-30. Review status: criteria provided, single submitter. Criteria: Invitae Variant Classification Sherloc (09022015). Collection method: clinical testing. Allele origin: germline.
Comment: This sequence change replaces alanine, which is neutral and non-polar, with serine, which is neutral and polar, at codon 333 of the SERPING1 protein (p.Ala333Ser). This variant is present in population databases (rs202192543, gnomAD 0.0009%). This variant has not been reported in the literature in individuals affected with SERPING1-related conditions. Advanced modeling of protein sequence and biophysical properties (such as structural, functional, and spatial information, amino acid conservation, physicochemical variation, residue mobility, and thermodynamic stability) has been performed at Invitae for this missense variant, however the output from this modeling did not meet the statistical confidence thresholds required to predict the impact of this variant on SERPING1 protein function. This variant disrupts the p.Ala333 amino acid residue in SERPING1. Other variant(s) that disrupt this residue have been observed in individuals with SERPING1-related conditions (PMID: 18586324, 22129507), which suggests that this may be a clinically significant amino acid residue. In summary, the available evidence is currently insufficient to determine the role of this variant in disease. Therefore, it has been classified as a Variant of Uncertain Significance.

Literature cited by the submitters: PubMed 18586324; PubMed 22129507.